The following is an entry in ClinVar:

NM_138694.4(PKHD1):c.5835C>A (p.Asn1945Lys)

Gene: PKHD1 (PKHD1 ciliary IPT domain containing fibrocystin/polyductin; minus strand). Cytogenetic location: 6p12.2.
Variant type: single nucleotide variant.
Coding change: c.5835C>A on transcript NM_138694.4 (MANE Select); coding-DNA position 5835, C replaced by A.
Protein change: p.Asn1945Lys; replaces asparagine 1945 with lysine.
Molecular consequence: missense variant.
Genome position (GRCh38, 1-based): chr6:51,959,943, G>T on the plus strand (C>A on the coding strand, the complement: PKHD1 is on the minus strand). VCF-style: chr6-51959943-G-T. GRCh37 (hg19) VCF-style: chr6-51824741-G-T.
Other names: c.5835C>A, p.Asn1945Lys (NM_170724.3); short protein forms N1945K.
Identifiers: ClinVar variation 3383214 (VCV003383214.2).

ClinVar aggregate classification (germline): Uncertain significance (0 of 4 stars; one submission).

Conditions:
Polycystic kidney disease 4 (PKD4). Also called: POLYCYSTIC KIDNEY AND HEPATIC DISEASE 1; POLYCYSTIC KIDNEY DISEASE, INFANTILE, TYPE I; PKD3; Autosomal Recessive Polycystic Kidney Disease – PKHD1; POLYCYSTIC KIDNEY DISEASE 4 WITH OR WITHOUT POLYCYSTIC LIVER DISEASE. Identifiers: MedGen C4540575, MONDO:0033004, OMIM 263200.

Submission:

Genetics laboratory, Institute of Kidney Diseases & Research Centre Dr. H.L. Trivedi Institute Of Transplantation Sciences
Classification: Uncertain significance for Polycystic kidney disease 4. Last evaluated: 2024-04-27. Review status: no assertion criteria provided. Collection method: clinical testing. Allele origin: germline. Inheritance: Autosomal recessive inheritance. Affected: yes. Observed: 1 variant allele, 1 compound heterozygote.
Comment: A likely one of the compound heterozygous missense variants c.5835C>A (p.Asn1945Lys) in exon 36 (chr6:51824741; Depth: 119x) and of PKHD1 gene were identified. The variant c.5835C>A has not been reported in the 1000genomes, TopMed and gnomAD databases In silico analysis is suggestive of both variant to be damaging by SIFT and CADD. Based on the current evidence, the variants are classified as a variant of uncertain significance according to the ACMG-AMP classification system and ClinGen framework.